The following is an entry in ClinVar:

ClinVar aggregate classification (germline): Uncertain significance (1 of 4 stars; one submission).

Conditions:
Myofibrillar myopathy 4. Also called: Zaspopathy (type). Identifiers: Orphanet 98912, MedGen C4721886, MONDO:0012277, OMIM 609452.

Submission:

Labcorp Genetics (formerly Invitae), Labcorp
Classification: Uncertain significance for Myofibrillar myopathy 4. Last evaluated: 2024-07-31. Review status: criteria provided, single submitter. Criteria: Invitae Variant Classification Sherloc (09022015). Collection method: clinical testing. Allele origin: germline.
Comment: The LDB3 gene has multiple clinically relevant transcripts. This variant occurs in alternate transcript NM_007078.3, and corresponds to NM_001080116.1:c.*10520C>A in the primary transcript. This sequence change falls in intron 8 of the LDB3 gene. It does not directly change the encoded amino acid sequence of the LDB3 protein. This variant is not present in population databases (gnomAD no frequency). This variant has not been reported in the literature in individuals affected with LDB3-related conditions. Experimental studies and prediction algorithms are not available or were not evaluated, and the effect of this variant on mRNA splicing is currently unknown. In summary, the available evidence is currently insufficient to determine the role of this variant in disease. Therefore, it has been classified as a Variant of Uncertain Significance.

NM_007078.3(LDB3):c.1086-11C>A

Gene: LDB3 (LIM domain binding 3; plus strand). Cytogenetic location: 10q23.2.
Variant type: single nucleotide variant.
Coding change: c.1086-11C>A on transcript NM_007078.3 (MANE Select); 11 bases into the intron before coding-DNA position 1086, C replaced by A.
Molecular consequence: intron variant.
Genome position (GRCh38, 1-based): chr10:86,709,894, C>A. VCF-style: chr10-86709894-C-A. GRCh37 (hg19) VCF-style: chr10-88469651-C-A.
Other names: c.897-11C>A (NM_001368064.1, NM_001368065.1); c.1101-11C>A (NM_001171610.2); c.945-11C>A (NM_001368066.1); c.756-11C>A (NM_001080114.2).
Identifiers: ClinVar variation 3682932 (VCV003682932.2).